The following is an entry in ClinVar:

NM_001040108.2(MLH3):c.2313A>T (p.Glu771Asp)

Gene: MLH3 (mutL homolog 3; minus strand). Cytogenetic location: 14q24.3.
Variant type: single nucleotide variant.
Coding change: c.2313A>T on transcript NM_001040108.2 (MANE Select); coding-DNA position 2313, A replaced by T.
Protein change: p.Glu771Asp; replaces glutamic acid 771 with aspartic acid.
Molecular consequence: missense variant.
Genome position (GRCh38, 1-based): chr14:75,047,343, T>A on the plus strand (A>T on the coding strand, the complement: MLH3 is on the minus strand). VCF-style: chr14-75047343-T-A. GRCh37 (hg19) VCF-style: chr14-75514046-T-A.
Other names: c.2313A>T, p.Glu771Asp (NM_014381.3); short protein forms E771D.
Identifiers: ClinVar variation 2497090 (VCV002497090.6), dbSNP rs530478485, ClinGen allele CA7275722.

ClinVar aggregate classification (germline): Uncertain significance. Review status: criteria provided, multiple submitters, no conflicts (2 of 4 stars). 2 submissions from 2 submitters: Uncertain significance (2). Last evaluated 2025-02-08.

Conditions:
Colorectal cancer, hereditary nonpolyposis, type 7. Identifiers: Orphanet 144, MedGen C1858380, MONDO:0013725, OMIM 614385.

Allele frequency attached by ClinVar (database versions not stated): gnomAD exomes below 0.00001; ExAC 0.00001; gnomAD 0.00001; 1000 Genomes Project 0.00020; 1000 Genomes Project 30x 0.00031.
gnomAD v4.1: 2 of 1,614,160 alleles (0.00012%); highest among the groups gnomAD compares: African/African-American, 0.0027%; no homozygotes.

Submissions (2):

Ambry Genetics
Classification: Uncertain significance. Last evaluated: 2025-02-08. Review status: criteria provided, single submitter. Criteria: Ambry Variant Classification Scheme 2023. Collection method: clinical testing. Allele origin: germline.
Comment: The p.E771D variant (also known as c.2313A>T), located in coding exon 1 of the MLH3 gene, results from an A to T substitution at nucleotide position 2313. The glutamic acid at codon 771 is replaced by aspartic acid, an amino acid with highly similar properties. This amino acid position is not well conserved in available vertebrate species. In addition, this alteration is predicted to be tolerated by in silico analysis. The evidence for this gene-disease relationship is limited; therefore, the clinical significance of this alteration is unclear.

Labcorp Genetics (formerly Invitae), Labcorp
Classification: Uncertain significance for Colorectal cancer, hereditary nonpolyposis, type 7. Last evaluated: 2022-12-13. Review status: criteria provided, single submitter. Criteria: Invitae Variant Classification Sherloc (09022015). Collection method: clinical testing. Allele origin: germline.
Comment: This sequence change replaces glutamic acid, which is acidic and polar, with aspartic acid, which is acidic and polar, at codon 771 of the MLH3 protein (p.Glu771Asp). This variant is present in population databases (rs530478485, gnomAD 0.007%). This variant has not been reported in the literature in individuals affected with MLH3-related conditions. Algorithms developed to predict the effect of missense changes on protein structure and function (SIFT, PolyPhen-2, Align-GVGD) all suggest that this variant is likely to be tolerated. In summary, the available evidence is currently insufficient to determine the role of this variant in disease. Therefore, it has been classified as a Variant of Uncertain Significance.